The following is an entry in ClinVar:

ClinVar aggregate classification (germline): Likely benign (1 of 4 stars; one submission).

gnomAD v4.1: 1 of 152,156 alleles (0.00066%); highest among the groups gnomAD compares: African/African-American, 0.0024%; no homozygotes.

Submission:

Molecular Diagnostic Laboratory for Inherited Cardiovascular Disease, Montreal Heart Institute
Classification: Likely benign. Last evaluated: 2026-09-21. Review status: criteria provided, single submitter. Criteria: ACMG Guidelines, 2015. Collection method: clinical testing. Allele origin: germline. Affected: no.
Comment: BP4

NM_016203.4(PRKAG2):c.755-10703T>C

Gene: PRKAG2 (protein kinase AMP-activated non-catalytic subunit gamma 2; minus strand). Cytogenetic location: 7q36.1.
Variant type: single nucleotide variant.
Coding change: c.755-10703T>C on transcript NM_016203.4 (MANE Select); 10703 bases into the intron before coding-DNA position 755, T replaced by C.
Molecular consequence: intron variant.
Genome position (GRCh38, 1-based): chr7:151,606,157, A>G on the plus strand (T>C on the coding strand, the complement: PRKAG2 is on the minus strand). VCF-style: chr7-151606157-A-G. GRCh37 (hg19) VCF-style: chr7-151303243-A-G.
Other names: c.467-10706T>C (NM_001407031.1); c.467-10703T>C (NM_001407030.1); c.755-10706T>C (NM_001407023.1, NM_001407022.1); c.755-10703T>C (NM_001407021.1); c.437-10703T>C (NM_001407032.1); c.623-10706T>C (NM_001407026.1, NM_001407027.1); c.623-10703T>C (NM_001040633.2, NM_001407024.1); c.431-10703T>C (NM_001407033.1); and 6 more.
Identifiers: ClinVar variation 5037831 (VCV005037831.1), dbSNP rs960057001.
Genomic context (GRCh38, chr7:151,606,157, plus strand): 5'-GTTGCCCAAGCTGGTCTCAAACTCCCAGGCTCAAGTGATCCACCTGCCTTGGCTTCCCAA[A>G]CTTCTGGGATTACAGGCGTGAGCCACCTACAAATTATAATAAAATTTCTGTTGAGTGGGA-3'